The following is an entry in ClinVar:

NM_004366.6(CLCN2):c.1735C>T (p.Arg579Cys)

Gene: CLCN2 (chloride voltage-gated channel 2; minus strand). Cytogenetic location: 3q27.1.
Variant type: single nucleotide variant.
Coding change: c.1735C>T on transcript NM_004366.6 (MANE Select); coding-DNA position 1735, C replaced by T.
Protein change: p.Arg579Cys; replaces arginine 579 with cysteine.
Molecular consequence: missense variant.
Genome position (GRCh38, 1-based): chr3:184,353,782, G>A on the plus strand (C>T on the coding strand, the complement: CLCN2 is on the minus strand). VCF-style: chr3-184353782-G-A. GRCh37 (hg19) VCF-style: chr3-184071570-G-A.
Other names: c.1684C>T, p.Arg562Cys (NM_001171087.3); c.1603C>T, p.Arg535Cys (NM_001171088.3); c.1735C>T, p.Arg579Cys (NM_001171089.3); short protein forms R579C, R535C, R562C.
Identifiers: ClinVar variation 3589011 (VCV003589011.2).

ClinVar aggregate classification (germline): Uncertain significance. Review status: criteria provided, multiple submitters, no conflicts (2 of 4 stars). 2 submissions from 2 submitters: Uncertain significance (2). Last evaluated 2025-04-07.

Conditions:
Epilepsy, idiopathic generalized, susceptibility to, 11 (EIG11). Identifiers: Orphanet 307, MedGen C2750893, MONDO:0011875, OMIM 607628.
Leukoencephalopathy with mild cerebellar ataxia and white matter edema (LKPAT). Also called: Leukoencephalopathy with ataxia; Leukoencephalopathy with white matter edema; Brain white matter edema; CLCN2-Related Leukoencephalopathy. Identifiers: Orphanet 363540, MedGen C4554120, MONDO:0014292, OMIM 615651. Disease mechanism: loss of function.
Familial hyperaldosteronism type II. Also called: FH II. Identifiers: Orphanet 404, MedGen C1854107, MONDO:0011576, OMIM 605635.

gnomAD v4.1: 9 of 1,606,104 alleles (0.00056%); highest among the groups gnomAD compares: African/African-American, 0.0053%; no homozygotes.

Submissions (2):

Labcorp Genetics (formerly Invitae), Labcorp
Classification: Uncertain significance. Last evaluated: 2025-04-07. Review status: criteria provided, single submitter. Criteria: Invitae Variant Classification Sherloc (09022015). Collection method: clinical testing. Allele origin: germline.
Comment: This sequence change replaces arginine, which is basic and polar, with cysteine, which is neutral and slightly polar, at codon 579 of the CLCN2 protein (p.Arg579Cys). This variant is not present in population databases (gnomAD no frequency). This variant has not been reported in the literature in individuals affected with CLCN2-related conditions. ClinVar contains an entry for this variant (Variation ID: 3589011). Invitae Evidence Modeling of protein sequence and biophysical properties (such as structural, functional, and spatial information, amino acid conservation, physicochemical variation, residue mobility, and thermodynamic stability) indicates that this missense variant is not expected to disrupt CLCN2 protein function with a negative predictive value of 80%. In summary, the available evidence is currently insufficient to determine the role of this variant in disease. Therefore, it has been classified as a Variant of Uncertain Significance.

Fulgent Genetics
Classification: Uncertain significance for Familial hyperaldosteronism type II; Epilepsy, idiopathic generalized, susceptibility to, 11; Leukoencephalopathy with mild cerebellar ataxia and white matter edema. Last evaluated: 2024-02-06. Review status: criteria provided, single submitter. Criteria: ACMG Guidelines, 2015. Collection method: clinical testing. Allele origin: germline.